The following is an entry in ClinVar:

ClinVar aggregate classification (germline): Pathogenic/Likely pathogenic. Review status: criteria provided, multiple submitters, no conflicts (2 of 4 stars). 3 submissions from 3 submitters: Pathogenic (2); Likely pathogenic (1). Last evaluated 2025-10-08.

Conditions:
Charcot-Marie-Tooth disease type 4F. Also called: Charcot-Marie-Tooth disease, demyelinating, type 4F. Identifiers: Orphanet 99952, MedGen C3540453, MONDO:0013959, OMIM 614895.
Charcot-Marie-Tooth disease type 4. Also called: Charcot-Marie-Tooth, Type 4; Charcot-Marie-Tooth disease, type IV. Identifiers: Orphanet 64749, MedGen C4082197, MONDO:0018995.

Allele frequency attached by ClinVar (database versions not stated): gnomAD exomes below 0.00001; TOPMed below 0.00001; gnomAD 0.00001.

Submissions (3):

Women's Health and Genetics/Laboratory Corporation of America, LabCorp
Classification: Pathogenic for Charcot-Marie-Tooth disease type 4F. Last evaluated: 2025-10-08. Review status: criteria provided, single submitter. Criteria: LabCorp Variant Classification Summary - May 2015. Collection method: clinical testing. Allele origin: germline.
Comment: Variant summary: PRX c.3014_3015insT (p.Lys1006GlnfsX29) results in a premature termination codon, predicted to cause a truncation of the encoded protein, and at-least one downtream pathogenic variant is associated with disease in ClinVar(c.3208C>T (p.Arg1070Ter)). The variant was absent in 249696 control chromosomes. To our knowledge, no occurrence of c.3014_3015insT in individuals affected with PRX-related conditions and no experimental evidence demonstrating its impact on protein function have been reported. ClinVar contains an entry for this variant (Variation ID: 543308). Based on the evidence outlined above, the variant was classified as pathogenic.

Labcorp Genetics (formerly Invitae), Labcorp
Classification: Pathogenic for Charcot-Marie-Tooth disease type 4. Last evaluated: 2025-06-07. Review status: criteria provided, single submitter. Criteria: Invitae Variant Classification Sherloc (09022015). Collection method: clinical testing. Allele origin: germline.
Comment: This sequence change creates a premature translational stop signal (p.Lys1006Glnfs*29) in the PRX gene. While this is not anticipated to result in nonsense mediated decay, it is expected to disrupt the last 456 amino acid(s) of the PRX protein. This variant is not present in population databases (gnomAD no frequency). This variant has not been reported in the literature in individuals affected with PRX-related conditions. ClinVar contains an entry for this variant (Variation ID: 543308). This variant disrupts a region of the PRX protein in which other variant(s) (p.Arg1070*) have been determined to be pathogenic (PMID: 15197604, 16770524, 22847150, 26059842). This suggests that this is a clinically significant region of the protein, and that variants that disrupt it are likely to be disease-causing. For these reasons, this variant has been classified as Pathogenic.

Mayo Clinic Laboratories, Mayo Clinic
Classification: Likely pathogenic. Last evaluated: 2024-03-29. Review status: criteria provided, single submitter. Criteria: ACMG Guidelines, 2015. Collection method: clinical testing. Allele origin: germline. Observed: 1 variant allele.
Comment: PM2, PVS1_strong

Literature cited by the submitters: PubMed 15197604 (cited by Labcorp Genetics (formerly Invitae), Labcorp); PubMed 16770524 (cited by Labcorp Genetics (formerly Invitae), Labcorp); PubMed 22847150 (cited by Labcorp Genetics (formerly Invitae), Labcorp); PubMed 26059842 (cited by Labcorp Genetics (formerly Invitae), Labcorp).

NM_181882.3(PRX):c.3014_3015insT (p.Lys1006fs)

Gene: PRX (periaxin; minus strand). Cytogenetic location: 19q13.2.
Variant type: Insertion.
Coding change: c.3014_3015insT on transcript NM_181882.3 (MANE Select); coding-DNA positions 3014 to 3015, T inserted.
Protein change: p.Lys1006fs; shifts the reading frame from lysine 1006.
Molecular consequence: frameshift variant. On other transcripts: 3 prime UTR variant (1).
Genome position: GRCh38 VCF-style: chr19-40395337-G-GA. GRCh37 (hg19) VCF-style: chr19-40901244-G-GA.
Other names: p.Lys1006Glnfs*29; c.*3219_*3220insT (NM_020956.2); short protein forms K1006fs.
Identifiers: ClinVar variation 543308 (VCV000543308.10), dbSNP rs1301129751, ClinGen allele CA658799228.